The following is an entry in ClinVar:

NM_000051.4(ATM):c.2842C>G (p.Leu948Val)

Gene: ATM (ATM serine/threonine kinase; plus strand). Cytogenetic location: 11q22.3.
Variant type: single nucleotide variant.
Coding change: c.2842C>G on transcript NM_000051.4 (MANE Select); coding-DNA position 2842, C replaced by G.
Protein change: p.Leu948Val; replaces leucine 948 with valine.
Molecular consequence: missense variant.
Genome position (GRCh38, 1-based): chr11:108,271,067, C>G. VCF-style: chr11-108271067-C-G. GRCh37 (hg19) VCF-style: chr11-108141794-C-G.
Other names: c.2842C>G, p.Leu948Val (NM_001351834.2); short protein forms L948V.
Identifiers: ClinVar variation 1371482 (VCV001371482.8), dbSNP rs1591602173, ClinGen allele CA382546687.
Genomic context (GRCh38, chr11:108,271,067, plus strand): 5'-TTTTTAAAGTAAATGATTTGTGGATAAACCTGATTTTTTTCCCTCCTACCATCTTAGTAT[C>G]TAATGCTTTTAAAGGAGCTTCCTGGAGAAGAGTACCCCTTGCCAATGGAAGATGTTCTTG-3'
Protein context (NP_000042.3, residues 938-958): PTKSLHLHMY[Leu948Val]MLLKELPGEE

ClinVar aggregate classification (germline): Uncertain significance (1 of 4 stars; one submission).

Conditions:
Ataxia-telangiectasia syndrome (AT). Also called: Cerebello-oculocutaneous telangiectasia; Immunodeficiency with ataxia telangiectasia; AT, COMPLEMENTATION GROUP C; Ataxia-telangiectasia, complementation group E; LOUIS-BAR SYNDROME; ATAXIA-TELANGIECTASIA, COMPLEMENTATION GROUP A. Identifiers: Orphanet 100, MedGen C0004135, MONDO:0008840, OMIM 208900.

Submission:

Labcorp Genetics (formerly Invitae), Labcorp
Classification: Uncertain significance for Ataxia-telangiectasia syndrome. Last evaluated: 2021-04-05. Review status: criteria provided, single submitter. Criteria: Invitae Variant Classification Sherloc (09022015). Collection method: clinical testing. Allele origin: germline.
Comment: This variant has not been reported in the literature in individuals with ATM-related conditions. Advanced modeling of protein sequence and biophysical properties (such as structural, functional, and spatial information, amino acid conservation, physicochemical variation, residue mobility, and thermodynamic stability) performed at Invitae indicates that this missense variant is not expected to disrupt ATM protein function. In summary, the available evidence is currently insufficient to determine the role of this variant in disease. Therefore, it has been classified as a Variant of Uncertain Significance. This variant is not present in population databases (ExAC no frequency). This sequence change replaces leucine with valine at codon 948 of the ATM protein (p.Leu948Val). The leucine residue is moderately conserved and there is a small physicochemical difference between leucine and valine.